The following is an entry in ClinVar:

NM_153252.5(BRWD3):c.*6902G>A

Gene: BRWD3 (bromodomain and WD repeat domain containing 3; minus strand). Cytogenetic location: Xq21.1.
Variant type: single nucleotide variant.
Coding change: c.*6902G>A on transcript NM_153252.5 (MANE Select); 6902 bases downstream of the stop codon, G replaced by A.
Molecular consequence: 3 prime UTR variant.
Genome position (GRCh38, 1-based): chrX:80,669,707, C>T on the plus strand (G>A on the coding strand, the complement: BRWD3 is on the minus strand). VCF-style: chrX-80669707-C-T. GRCh37 (hg19) VCF-style: chrX-79925206-C-T.
Identifiers: ClinVar variation 368678 (VCV000368678.5), dbSNP rs188498975, ClinGen allele CA10654065.

ClinVar aggregate classification (germline): Benign (1 of 4 stars; one submission).

Conditions:
Intellectual developmental disorder, X-linked 93. Also called: MENTAL RETARDATION, X-LINKED, WITH MACROCEPHALY; Intellectual disability, X-linked 93. Identifiers: MedGen C1970841, MONDO:0010393, OMIM 300659.

Allele frequency attached by ClinVar (database versions not stated): TOPMed 0.00768; 1000 Genomes Project 30x 0.00791; gnomAD 0.00685 and 0.00718; 1000 Genomes Project 0.00795.
gnomAD v4.1: 754 of 111,346 alleles (0.68%); highest among the groups gnomAD compares: African/African-American, 2.2%; 6 homozygotes.

Submission:

Illumina Laboratory Services, Illumina
Classification: Benign for Intellectual developmental disorder, X-linked 93. Last evaluated: 2018-01-12. Review status: criteria provided, single submitter. Criteria: ICSL Variant Classification Criteria 13 December 2019. Collection method: clinical testing. Allele origin: germline.
Comment: This variant was observed in the ICSL laboratory as part of a predisposition screen in an ostensibly healthy population. It had not been previously curated by ICSL or reported in the Human Gene Mutation Database (HGMD: prior to June 1st, 2018), and was therefore a candidate for classification through an automated scoring system. Utilizing variant allele frequency, disease prevalence and penetrance estimates, and inheritance mode, an automated score was calculated to assess if this variant is too frequent to cause the disease. Based on the score and internal cut-off values, a variant classified as benign is not then subjected to further curation. The score for this variant resulted in a classification of benign for this disease.